The following is an entry in ClinVar:

NM_033380.3(COL4A5):c.2509+2T>G

Gene: COL4A5 (collagen type IV alpha 5 chain; plus strand). Cytogenetic location: Xq22.3.
Variant type: single nucleotide variant.
Coding change: c.2509+2T>G on transcript NM_033380.3 (MANE Select); the canonical splice donor site of the intron after coding-DNA position 2509, T replaced by G.
Molecular consequence: splice donor variant.
Genome position (GRCh38, 1-based): chrX:108,615,026, T>G. VCF-style: chrX-108615026-T-G. GRCh37 (hg19) VCF-style: chrX-107858256-T-G.
Other names: c.2509+2T>G (NM_000495.5).
Identifiers: ClinVar variation 633835 (VCV000633835.3), dbSNP rs1569497030, ClinGen allele CA413850280.

ClinVar aggregate classification (germline): Pathogenic/Likely pathogenic. Review status: criteria provided, multiple submitters, no conflicts (2 of 4 stars). 2 submissions from 2 submitters: Pathogenic (1); Likely pathogenic (1). Last evaluated 2023-12-19.

Conditions:
X-linked Alport syndrome (ATS1). Also called: COL4A5-Related Nephropathy; NEPHROPATHY AND DEAFNESS, X-LINKED. Identifiers: Orphanet 63, Orphanet 88917, MedGen C4746986, MONDO:0010520, OMIM 301050.
COL4A5-related disorders.

Submissions (2):

Blueprint Genetics
Classification: Likely pathogenic for COL4A5-related disorders. Last evaluated: 2023-12-19. Review status: criteria provided, single submitter. Criteria: ACMG Guidelines, 2015. Collection method: clinical testing. Allele origin: germline. Affected: yes. Observed: 1 variant allele.

Molecular Medicine Center, Medical University of Sofia
Classification: Pathogenic for X-linked Alport syndrome. Last evaluated: 2019-06-12. Review status: criteria provided, single submitter. Criteria: ACMG Guidelines, 2015. Collection method: clinical testing. Allele origin: maternal. Inheritance: X-linked dominant inheritance. Affected: yes. Observed: 4 variant alleles, 2 heterozygotes, 2 hemizygotes. Clinical features observed: Hematuria (HP:0000790).
Comment: A family with 5 affected individuals across 3 generations. Four individuals tested and found to carry variant.